The following is an entry in ClinVar:

ClinVar aggregate classification (germline): Benign (0 of 4 stars; one submission).

Conditions:
OSBP-related disorder. Also called: OSBP-related condition.

Allele frequency attached by ClinVar (database versions not stated): ExAC 0.00026; 1000 Genomes Project 0.00499; 1000 Genomes Project 30x 0.00547; gnomAD 0.00666; TOPMed 0.00734.
gnomAD v4.1: 1,683 of 1,373,794 alleles (0.12%); highest among the groups gnomAD compares: African/African-American, 2.4%; 29 homozygotes.

Submission:

PreventionGenetics, part of Exact Sciences
Classification: Benign for OSBP-related condition. Last evaluated: 2019-10-28. Review status: no assertion criteria provided. Collection method: clinical testing. Allele origin: germline.
Comment: This variant is classified as benign based on ACMG/AMP sequence variant interpretation guidelines (Richards et al. 2015 PMID: 25741868, with internal and published modifications).

NM_002556.3(OSBP):c.84A>G (p.Pro28=)

Genes: OSBP (oxysterol binding protein; minus strand), LOC130005752 (ATAC-STARR-seq lymphoblastoid silent region 3366; plus strand). Cytogenetic location: 11q12.1.
Variant type: single nucleotide variant.
Coding change: c.84A>G on transcript NM_002556.3 (MANE Select); coding-DNA position 84, A replaced by G.
Protein change: p.Pro28=; no amino-acid change (proline 28 retained).
Molecular consequence: synonymous variant.
Genome position (GRCh38, 1-based): chr11:59,615,581, T>C on the plus strand (A>G on the coding strand, the complement: OSBP is on the minus strand). VCF-style: chr11-59615581-T-C. GRCh37 (hg19) VCF-style: chr11-59383054-T-C.
Identifiers: ClinVar variation 3034806 (VCV003034806.2), dbSNP rs532959688, ClinGen allele CA6019876.